The following is an entry in ClinVar:

NM_020937.4(FANCM):c.4313C>T (p.Pro1438Leu)

Gene: FANCM (FA complementation group M; plus strand). Cytogenetic location: 14q21.2.
Variant type: single nucleotide variant.
Coding change: c.4313C>T on transcript NM_020937.4 (MANE Select); coding-DNA position 4313, C replaced by T.
Protein change: p.Pro1438Leu; replaces proline 1438 with leucine.
Molecular consequence: missense variant.
Genome position (GRCh38, 1-based): chr14:45,181,520, C>T. VCF-style: chr14-45181520-C-T. GRCh37 (hg19) VCF-style: chr14-45650723-C-T.
Other names: c.4235C>T, p.Pro1412Leu (NM_001308133.2); short protein forms P1412L, P1438L.
Identifiers: ClinVar variation 4022691 (VCV004022691.1).
Genomic context (GRCh38, chr14:45,181,520, plus strand): 5'-AAGATGACGAGATTTTCCGAAGAAAAGTTAAAAGAGCAAAAGGAAATGTTTTAAACTCTC[C>T]TGAGGTGAGTCATTCAGTAATCACAATAGTATAATCATATCAAAGGCTATTTTCCTTTTA-3'
Protein context (NP_065988.1, residues 1428-1448): KRAKGNVLNS[Pro1438Leu]EDQKNSEVDS

ClinVar aggregate classification (germline): Uncertain significance (1 of 4 stars; one submission).

Conditions:
Inborn genetic diseases. Identifiers: MedGen C0950123, MeSH D030342.

gnomAD v4.1: 1 of 1,594,788 alleles (0.000063%); highest among the groups gnomAD compares: Non-Finnish European, 0.000086%; no homozygotes.

Submission:

Ambry Genetics
Classification: Uncertain significance for Inborn genetic diseases. Last evaluated: 2025-04-16. Review status: criteria provided, single submitter. Criteria: Ambry Variant Classification Scheme 2023. Collection method: clinical testing. Allele origin: germline.
Comment: The p.P1438L variant (also known as c.4313C>T), located in coding exon 15 of the FANCM gene, results from a C to T substitution at nucleotide position 4313. The proline at codon 1438 is replaced by leucine, an amino acid with similar properties. This amino acid position is conserved. In addition, this alteration is predicted to be tolerated by in silico analysis. Based on the available evidence, the clinical significance of this variant remains unclear.